The following is an entry in ClinVar:

NM_001165963.4(SCN1A):c.3836_3837del (p.Tyr1279fs)

Genes: SCN1A (sodium voltage-gated channel alpha subunit 1; minus strand), LOC102724058 (uncharacterized LOC102724058; plus strand). Cytogenetic location: 2q24.3.
Variant type: Microsatellite.
Coding change: c.3836_3837del on transcript NM_001165963.4 (MANE Select); coding-DNA positions 3836 to 3837, 2 bases deleted (AT; older notation c.3836_3837delAT).
Protein change: p.Tyr1279fs; shifts the reading frame from tyrosine 1279.
Molecular consequence: frameshift variant. On other transcripts: non-coding transcript variant (1).
Genome position (GRCh38, 1-based): chr2:166,012,151-166,012,152, AT deleted on the plus strand (AT on the coding strand, the reverse complement: SCN1A is on the minus strand); deleting any 2 consecutive bases within chr2:166,012,151-166,012,154 gives the same sequence; the c. name uses the placement nearest the transcript's 3' end. VCF-style (leftmost placement, unchanged base first): chr2-166012150-AAT-A. GRCh37 (hg19) VCF-style: chr2-166868660-AAT-A.
Other names: c.3752_3753del, p.Tyr1251fs (NM_001165964.3, NM_001353957.2, NM_001353958.2); c.3836_3837del, p.Tyr1279fs (NM_001202435.3, NM_001353948.2); c.3803_3804del, p.Tyr1268fs (NM_001353949.2, NM_001353950.2, NM_001353951.2 and 2 more transcripts); c.3800_3801del, p.Tyr1267fs (NM_001353954.2, NM_001353955.2); c.3749_3750del, p.Tyr1250fs (NM_001353960.2); c.1394_1395del, p.Tyr465fs (NM_001353961.2); short protein forms Y1250fs, Y1251fs, Y1267fs, Y1268fs, Y1279fs, Y465fs.
Identifiers: ClinVar variation 1708223 (VCV001708223.7), dbSNP rs2468513095, ClinGen allele CA2580614388.

ClinVar aggregate classification (germline): Pathogenic. Review status: criteria provided, multiple submitters, no conflicts (2 of 4 stars). 2 submissions from 2 submitters: Pathogenic (2). Last evaluated 2023-03-25.

Conditions:
Developmental and epileptic encephalopathy, 6A. Also called: SCN1A-Related Severe Myoclonic Epilepsy in Infancy; Early Infantile Epileptic Encephalopathy 6; Developmental and epileptic encephalopathy, 6. Identifiers: MedGen CN293401, MONDO:0100079.
Early-infantile DEE. Also called: Early infantile epileptic encephalopathy; Early infantile epileptic encephalopathy with suppression bursts; Ohtahara syndrome. Identifiers: Orphanet 1934, MedGen C0393706, MONDO:0800491.

Submissions (2):

Labcorp Genetics (formerly Invitae), Labcorp
Classification: Pathogenic for Early-infantile DEE. Last evaluated: 2023-03-25. Review status: criteria provided, single submitter. Criteria: Invitae Variant Classification Sherloc (09022015). Collection method: clinical testing. Allele origin: germline.
Comment: This variant is not present in population databases (gnomAD no frequency). This sequence change creates a premature translational stop signal (p.Tyr1279Phefs*14) in the SCN1A gene. It is expected to result in an absent or disrupted protein product. Loss-of-function variants in SCN1A are known to be pathogenic (PMID: 17347258, 18930999). This variant has not been reported in the literature in individuals affected with SCN1A-related conditions. For these reasons, this variant has been classified as Pathogenic.

Genetics Laboratory, UDIAT-Centre Diagnòstic, Hospital Universitari Parc Tauli
Classification: Pathogenic for Developmental and epileptic encephalopathy, 6A. Last evaluated: 2022-10-04. Review status: criteria provided, single submitter. Criteria: Parc Tauli Hospital Assertion Criteria 2021. Collection method: clinical testing. Allele origin: de novo. Inheritance: Autosomal dominant inheritance. Affected: yes.
Comment: PVS1;PM6;PM2_supporting

Literature cited by the submitters: PubMed 17347258 (cited by Labcorp Genetics (formerly Invitae), Labcorp); PubMed 18930999 (cited by Labcorp Genetics (formerly Invitae), Labcorp).